The following is an entry in ClinVar:

ClinVar aggregate classification (germline): Uncertain significance (1 of 4 stars; one submission).

Submission:

GeneDx
Classification: Uncertain significance. Last evaluated: 2025-05-11. Review status: criteria provided, single submitter. Criteria: GeneDx Variant Classification Process June 2021. Collection method: clinical testing. Allele origin: germline. Affected: yes.
Comment: Not observed at significant frequency in large population cohorts (gnomAD); In silico analysis supports that this missense variant has a deleterious effect on protein structure/function; Has not been previously published as pathogenic or benign to our knowledge

NM_012280.4(FTSJ1):c.435T>A (p.His145Gln)

Gene: FTSJ1 (FtsJ RNA 2'-O-methyltransferase 1; plus strand). Cytogenetic location: Xp11.23.
Variant type: single nucleotide variant.
Coding change: c.435T>A on transcript NM_012280.4 (MANE Select); coding-DNA position 435, T replaced by A.
Protein change: p.His145Gln; replaces histidine 145 with glutamine.
Molecular consequence: missense variant.
Genome position (GRCh38, 1-based): chrX:48,481,309, T>A. VCF-style: chrX-48481309-T-A. GRCh37 (hg19) VCF-style: chrX-48339697-T-A.
Other names: c.24T>A, p.His8Gln (NM_001282157.2); c.435T>A, p.His145Gln (NM_001441195.1, NM_001441196.1, NM_001441197.1 and 4 more transcripts); short protein forms H145Q, H8Q.
Identifiers: ClinVar variation 4529661 (VCV004529661.1).
Genomic context (GRCh38, chrX:48,481,309, plus strand): 5'-CTGTCTCCACCTCAGCCTCAGCCGTCTGTCCTGCCCACAGGCTCTGAACATTGCTACACA[T>A]GTCCTGAAGCCAGGGGGCTGCTTTGTGGCCAAGGTAAGTCTCAAGGAACTTGGTGGAGTA-3'
Protein context (NP_036412.1, residues 135-155): LLLAALNIAT[His145Gln]VLKPGGCFVA